The following is an entry in ClinVar:

ClinVar aggregate classification (germline): Uncertain significance (1 of 4 stars; one submission).

Submission:

Labcorp Genetics (formerly Invitae), Labcorp
Classification: Uncertain significance. Last evaluated: 2025-03-18. Review status: criteria provided, single submitter. Criteria: Invitae Variant Classification Sherloc (09022015). Collection method: clinical testing. Allele origin: germline.
Comment: This sequence change replaces threonine, which is neutral and polar, with proline, which is neutral and non-polar, at codon 767 of the TAOK2 protein (p.Thr767Pro). This variant is not present in population databases (gnomAD no frequency). This variant has not been reported in the literature in individuals affected with TAOK2-related conditions. ClinVar contains an entry for this variant (Variation ID: 1397264). An algorithm developed to predict the effect of missense changes on protein structure and function (PolyPhen-2) suggests that this variant is likely to be tolerated. In summary, the available evidence is currently insufficient to determine the role of this variant in disease. Therefore, it has been classified as a Variant of Uncertain Significance.

NM_016151.4(TAOK2):c.2299A>C (p.Thr767Pro)

Gene: TAOK2 (TAO kinase 2; plus strand). Cytogenetic location: 16p11.2.
Variant type: single nucleotide variant.
Coding change: c.2299A>C on transcript NM_016151.4 (MANE Select); coding-DNA position 2299, A replaced by C.
Protein change: p.Thr767Pro; replaces threonine 767 with proline.
Molecular consequence: missense variant. On other transcripts: intron variant (2).
Genome position (GRCh38, 1-based): chr16:29,986,571, A>C. VCF-style: chr16-29986571-A-C. GRCh37 (hg19) VCF-style: chr16-29997892-A-C.
Other names: c.2232+67A>C (NM_004783.4, NM_001252043.2); short protein forms T767P.
Identifiers: ClinVar variation 1397264 (VCV001397264.8), dbSNP rs1319923797, ClinGen allele CA395490729.